The following is an entry in ClinVar:

ClinVar aggregate classification (germline): Uncertain significance (1 of 4 stars; one submission).

Conditions:
Hereditary cancer-predisposing syndrome. Also called: Neoplastic Syndromes, Hereditary; Tumor predisposition; Hereditary neoplastic syndrome; Hereditary Cancer Syndrome. Identifiers: Orphanet 140162, MedGen C0027672, MeSH D009386, MONDO:0015356.

Submission:

Ambry Genetics
Classification: Uncertain significance for Hereditary cancer-predisposing syndrome. Last evaluated: 2023-02-15. Review status: criteria provided, single submitter. Criteria: Ambry Variant Classification Scheme 2023. Collection method: clinical testing. Allele origin: germline.
Comment: The p.F417L variant (also known as c.1249T>C), located in coding exon 8 of the FLCN gene, results from a T to C substitution at nucleotide position 1249. The phenylalanine at codon 417 is replaced by leucine, an amino acid with highly similar properties. This amino acid position is conserved. In addition, this alteration is predicted to be deleterious by in silico analysis. Since supporting evidence is limited at this time, the clinical significance of this alteration remains unclear.

NM_144997.7(FLCN):c.1249T>C (p.Phe417Leu)

Gene: FLCN (folliculin; minus strand). Cytogenetic location: 17p11.2.
Variant type: single nucleotide variant.
Coding change: c.1249T>C on transcript NM_144997.7 (MANE Select); coding-DNA position 1249, T replaced by C.
Protein change: p.Phe417Leu; replaces phenylalanine 417 with leucine.
Molecular consequence: missense variant.
Genome position (GRCh38, 1-based): chr17:17,216,431, A>G on the plus strand (T>C on the coding strand, the complement: FLCN is on the minus strand). VCF-style: chr17-17216431-A-G. GRCh37 (hg19) VCF-style: chr17-17119745-A-G.
Other names: c.1303T>C, p.Phe435Leu (NM_001353229.2); c.1249T>C, p.Phe417Leu (NM_001353230.2, NM_001353231.2); short protein forms F417L, F435L.
Identifiers: ClinVar variation 2451838 (VCV002451838.2), dbSNP rs1386426732, ClinGen allele CA398531753.